The following is an entry in ClinVar:

ClinVar aggregate classification (germline): Likely benign. Review status: criteria provided, multiple submitters, no conflicts (2 of 4 stars). 2 submissions from 2 submitters: Likely benign (2). Last evaluated 2025-11-01.

Conditions:
Familial hypercholesterolemia. Also called: Familial hypercholesterolemias; Familial hypercholesterolaemia. Identifiers: MedGen C0020445, MONDO:0005439.

Submissions (2):

CeGaT Center for Human Genetics Tuebingen
Classification: Likely benign. Last evaluated: 2025-11-01. Review status: criteria provided, single submitter. Criteria: CeGaT Center For Human Genetics Tuebingen Variant Classification Criteria Version 2. Collection method: clinical testing. Allele origin: germline. Affected: yes. Observed: 1 variant allele.
Comment: PCSK9: PM2:Supporting, BP4, BP7

Color Diagnostics, LLC DBA Color Health
Classification: Likely benign for Familial hypercholesterolemia. Last evaluated: 2019-04-28. Review status: criteria provided, single submitter. Criteria: ACMG Guidelines, 2015. Collection method: clinical testing. Allele origin: germline.

NM_174936.4(PCSK9):c.327C>G (p.Thr109=)

Gene: PCSK9 (proprotein convertase subtilisin/kexin type 9; plus strand). Cytogenetic location: 1p32.3.
Variant type: single nucleotide variant.
Coding change: c.327C>G on transcript NM_174936.4 (MANE Select); coding-DNA position 327, C replaced by G.
Protein change: p.Thr109=; no amino-acid change (threonine 109 retained).
Molecular consequence: synonymous variant.
Genome position (GRCh38, 1-based): chr1:55,043,962, C>G. VCF-style: chr1-55043962-C-G. GRCh37 (hg19) VCF-style: chr1-55509635-C-G.
Identifiers: ClinVar variation 924332 (VCV000924332.8), dbSNP rs759986372, ClinGen allele CA417957543.
Genomic context (GRCh38, chr1:55,043,962, plus strand): 5'-GCAGTCAGAGCGCACTGCCCGCCGCCTGCAGGCCCAGGCTGCCCGCCGGGGATACCTCAC[C>G]AAGATCCTGCATGTCTTCCATGGCCTTCTTCCTGGCTTCCTGGTGAAGATGAGTGGCGAC-3'
Protein context (NP_777596.2, residues 99-119): QAQAARRGYL[Thr109=]KILHVFHGLL